The following is an entry in ClinVar:

ClinVar aggregate classification (germline): Uncertain significance (1 of 4 stars; one submission).

Conditions:
Atypical hemolytic-uremic syndrome. Identifiers: Orphanet 2134, MedGen C2931788, MONDO:0016244.

gnomAD v4.1: 1 of 1,613,622 alleles (0.000062%); highest among the groups gnomAD compares: Non-Finnish European, 0.000085%; no homozygotes.

Submission:

Genomenon, Inc
Classification: Uncertain significance for Atypical hemolytic-uremic syndrome. Last evaluated: 2025-10-02. Review status: criteria provided, single submitter. Criteria: Genomenon Sequence Variant Interpretation Standards. Collection method: curation. Allele origin: germline. Affected: yes.
Comment: CD46 c.97+5G>A is a splice variant located in the donor splice region of intron 1. This variant has been observed in at least one proband affected with atypical hemolytic-uremic syndrome (PMID:29556035). At least one splicing study identified that this variant results in aberrant splicing (PMID:29556035). It is absent or not present at a significant frequency in gnomAD. In conclusion, we classify CD46 c.97+5G>A as a variant of uncertain significance.

Literature cited by the submitters: PubMed 29556035.

NM_172351.3(CD46):c.97+5G>A

Genes: CD46 (CD46 molecule; plus strand), LOC129932405 (ATAC-STARR-seq lymphoblastoid active region 2449; plus strand). Cytogenetic location: 1q32.2.
Variant type: single nucleotide variant.
Coding change: c.97+5G>A on transcript NM_172351.3 (MANE Select); 5 bases into the intron after coding-DNA position 97, G replaced by A.
Molecular consequence: intron variant.
Genome position (GRCh38, 1-based): chr1:207,752,314, G>A. VCF-style: chr1-207752314-G-A. GRCh37 (hg19) VCF-style: chr1-207925659-G-A.
Other names: c.97+5G>A (NM_002389.4, NM_172359.3, NM_153826.4 and 8 more transcripts).
Identifiers: ClinVar variation 4291218 (VCV004291218.1).